The following is an entry in ClinVar:

NM_181672.3(OGT):c.3077A>G (p.His1026Arg)

Gene: OGT (O-linked N-acetylglucosamine (GlcNAc) transferase; plus strand). Cytogenetic location: Xq13.1.
Variant type: single nucleotide variant.
Coding change: c.3077A>G on transcript NM_181672.3 (MANE Select); coding-DNA position 3077, A replaced by G.
Protein change: p.His1026Arg; replaces histidine 1026 with arginine.
Molecular consequence: missense variant.
Genome position (GRCh38, 1-based): chrX:71,573,730, A>G. VCF-style: chrX-71573730-A-G. GRCh37 (hg19) VCF-style: chrX-70793580-A-G.
Other names: c.3047A>G, p.His1016Arg (NM_181673.3); short protein forms H1016R, H1026R.
Identifiers: ClinVar variation 3373759 (VCV003373759.1).

ClinVar aggregate classification (germline): Uncertain significance (1 of 4 stars; one submission).

Submission:

GeneDx
Classification: Uncertain significance. Last evaluated: 2024-03-11. Review status: criteria provided, single submitter. Criteria: GeneDx Variant Classification Process June 2021. Collection method: clinical testing. Allele origin: germline. Affected: yes.
Comment: Not observed at significant frequency in large population cohorts (gnomAD); In silico analysis supports that this missense variant does not alter protein structure/function; Has not been previously published as pathogenic or benign to our knowledge